The following is an entry in ClinVar:

ClinVar aggregate classification (germline): Uncertain significance (1 of 4 stars; one submission).

Conditions:
Inborn genetic diseases. Identifiers: MedGen C0950123, MeSH D030342.

Submission:

Ambry Genetics
Classification: Uncertain significance for Inborn genetic diseases. Last evaluated: 2025-05-27. Review status: criteria provided, single submitter. Criteria: Ambry Variant Classification Scheme 2023. Collection method: clinical testing. Allele origin: germline.
Comment: The p.Q1333H variant (also known as c.3999A>C), located in coding exon 14 of the FANCM gene, results from an A to C substitution at nucleotide position 3999. The glutamine at codon 1333 is replaced by histidine, an amino acid with highly similar properties. This amino acid position is conserved. In addition, this alteration is predicted to be tolerated by in silico analysis. Based on the available evidence, the clinical significance of this variant remains unclear.

NM_020937.4(FANCM):c.3999A>C (p.Gln1333His)

Gene: FANCM (FA complementation group M; plus strand). Cytogenetic location: 14q21.2.
Variant type: single nucleotide variant.
Coding change: c.3999A>C on transcript NM_020937.4 (MANE Select); coding-DNA position 3999, A replaced by C.
Protein change: p.Gln1333His; replaces glutamine 1333 with histidine.
Molecular consequence: missense variant.
Genome position (GRCh38, 1-based): chr14:45,176,753, A>C. VCF-style: chr14-45176753-A-C. GRCh37 (hg19) VCF-style: chr14-45645956-A-C.
Other names: c.3921A>C, p.Gln1307His (NM_001308133.2); short protein forms Q1333H, Q1307H.
Identifiers: ClinVar variation 4022818 (VCV004022818.1).